The following is an entry in ClinVar:

NM_001111.5(ADAR):c.3355G>A (p.Gly1119Arg)

Gene: ADAR (adenosine deaminase RNA specific; minus strand). Cytogenetic location: 1q21.3.
Variant type: single nucleotide variant.
Coding change: c.3355G>A on transcript NM_001111.5 (MANE Select); coding-DNA position 3355, G replaced by A.
Protein change: p.Gly1119Arg; replaces glycine 1119 with arginine.
Molecular consequence: missense variant.
Genome position (GRCh38, 1-based): chr1:154,585,305, C>T on the plus strand (G>A on the coding strand, the complement: ADAR is on the minus strand). VCF-style: chr1-154585305-C-T. GRCh37 (hg19) VCF-style: chr1-154557781-C-T.
Other names: c.2470G>A, p.Gly824Arg (NM_001025107.3, NM_001193495.2, NM_001365046.1 and 2 more transcripts); c.3382G>A, p.Gly1128Arg (NM_001365045.1); c.2392G>A, p.Gly798Arg (NM_001365049.1); c.3277G>A, p.Gly1093Arg (NM_015840.4); c.3220G>A, p.Gly1074Arg (NM_015841.4); short protein forms G1074R, G1093R, G1119R, G1128R, G798R, G824R.
Identifiers: ClinVar variation 3898025 (VCV003898025.1).

ClinVar aggregate classification (germline): Uncertain significance (1 of 4 stars; one submission).

Conditions:
Aicardi-Goutieres syndrome 6 (AGS6). Identifiers: Orphanet 51, MedGen C3539013, MONDO:0014007, OMIM 615010.

gnomAD v4.1: 3 of 1,614,044 alleles (0.00019%); highest among the groups gnomAD compares: Non-Finnish European, 0.00017%; no homozygotes.

Submission:

Neuberg Centre For Genomic Medicine, NCGM
Classification: Uncertain significance for Aicardi-Goutieres syndrome 6. Last evaluated: 2024-02-01. Review status: criteria provided, single submitter. Criteria: ACMG Guidelines, 2015. Collection method: clinical testing. Allele origin: germline. Inheritance: Autosomal recessive inheritance.
Comment: The above variant has not been reported previously as a pathogenic variant nor as a benign variant, to our knowledge